The following is an entry in ClinVar:

ClinVar aggregate classification (germline): Conflicting classifications of pathogenicity. Review status: criteria provided, conflicting classifications (1 of 4 stars). 4 submissions from 4 submitters: Likely pathogenic (3); Uncertain significance (1). Last evaluated 2025-03-18.

Conditions:
Glutaric acidemia type 2C.
Multiple acyl-CoA dehydrogenase deficiency (MADD). Also called: ETHYLMALONIC-ADIPICACIDURIA; GA II; Glutaric aciduria, type 2; Glutaric acidemia type II; GA 2; Glutaric Acidemia type 2. Identifiers: Orphanet 26791, MedGen C0268596, MONDO:0009282, OMIM 231680.

Submissions (4):

Natera, Inc.
Classification: Likely pathogenic for Glutaric acidemia type 2C. Last evaluated: 2025-03-18. Review status: criteria provided, single submitter. Criteria: Natera Variant Classification Schema (03/2026). Collection method: clinical testing. Allele origin: germline.
Comment: The c.929A>G variant in ETFDH is a missense variant predicted to cause substitution of tyrosine to cysteine at amino acid 310. This variant is rare in the general population with a frequency below the threshold expected for the associated phenotype(s). This variant has been observed in one or more individuals affected with the associated recessive disease, as either homozygous or compound heterozygous with a second variant (PMID: 40046021, 36334790). This variant has been identified in one or more affected individuals with a phenotype highly consistent with the associated gene (PMID: 36334790). Computational prediction algorithms indicate this variant is likely to affect gene or protein function. Given the available evidence, this variant is classified as Likely Pathogenic.

Women's Health and Genetics/Laboratory Corporation of America, LabCorp
Classification: Uncertain significance. Last evaluated: 2024-12-02. Review status: criteria provided, single submitter. Criteria: LabCorp Variant Classification Summary - May 2015. Collection method: clinical testing. Allele origin: germline.
Comment: Variant summary: ETFDH c.929A>G (p.Tyr310Cys) results in a non-conservative amino acid change in the encoded protein sequence. Five of five in-silico tools predict a damaging effect of the variant on protein function. The variant was absent in 251414 control chromosomes (gnomAD). The available data on variant occurrences in the general population are insufficient to allow any conclusion about variant significance. c.929A>G has been reported in the literature in a newborn screening case affected with Glutaric Aciduria, Type 2c (Lin_2022). These data do not allow any conclusion about variant significance. To our knowledge, no experimental evidence demonstrating an impact on protein function has been reported. The following publication has been ascertained in the context of this evaluation (PMID: 36334790). ClinVar contains an entry for this variant (Variation ID: 203718). Based on the evidence outlined above, the variant was classified as uncertain significance.

GeneDx
Classification: Likely pathogenic. Last evaluated: 2024-04-11. Review status: criteria provided, single submitter. Criteria: GeneDx Variant Classification Process June 2021. Collection method: clinical testing. Allele origin: germline. Affected: yes.
Comment: Identified with a second ETFDH variant in an individual with an abnormal newborn screen for MADD (PMID: 38187300); Not observed at significant frequency in large population cohorts (gnomAD); In silico analysis supports that this missense variant has a deleterious effect on protein structure/function; This variant is associated with the following publications: (PMID: 38187300)

Juno Genomics, Hangzhou Juno Genomics, Inc
Classification: Likely pathogenic for Multiple acyl-CoA dehydrogenase deficiency. Review status: criteria provided, single submitter. Criteria: ACMG Guidelines, 2015. Collection method: clinical testing. Allele origin: germline. Affected: yes.
Comment: Absent from controls (or at extremely low frequency if recessive) in Genome Aggregation Database, Exome Sequencing Project, 1000 Genomes Project, or Exome Aggregation Consortium.;Multiple lines of computational evidence support a deleterious effect on the gene or gene product (conservation, evolutionary, splicing impact, etc).;For recessive disorders, detected in trans with a pathogenic variant.

Literature cited by the submitters: PubMed 40046021 (cited by Natera, Inc.); PubMed 36334790 (cited by Natera, Inc. and Women's Health and Genetics/Laboratory Corporation of America, LabCorp).

NM_004453.4(ETFDH):c.929A>G (p.Tyr310Cys)

Gene: ETFDH (electron transfer flavoprotein dehydrogenase; plus strand). Cytogenetic location: 4q32.1.
Variant type: single nucleotide variant.
Coding change: c.929A>G on transcript NM_004453.4 (MANE Select); coding-DNA position 929, A replaced by G.
Protein change: p.Tyr310Cys; replaces tyrosine 310 with cysteine.
Molecular consequence: missense variant.
Genome position (GRCh38, 1-based): chr4:158,697,656, A>G. VCF-style: chr4-158697656-A-G. GRCh37 (hg19) VCF-style: chr4-159618808-A-G.
Other names: p.Y310C:TAT>TGT; c.929A>G (NM_004453.3); c.788A>G, p.Tyr263Cys (NM_001281737.2); c.746A>G, p.Tyr249Cys (NM_001281738.1); short protein forms Y310C, Y249C, Y263C.
Identifiers: ClinVar variation 203718 (VCV000203718.7), dbSNP rs796051958, ClinGen allele CA312535.